The following is an entry in ClinVar:

ClinVar aggregate classification (germline): Uncertain significance (1 of 4 stars; one submission).

Conditions:
Inborn genetic diseases. Identifiers: MedGen C0950123, MeSH D030342.

gnomAD v4.1: 1 of 1,614,164 alleles (0.000062%); highest among the groups gnomAD compares: Non-Finnish European, 0.000085%; no homozygotes.

Submission:

Ambry Genetics
Classification: Uncertain significance for Inborn genetic diseases. Last evaluated: 2025-02-09. Review status: criteria provided, single submitter. Criteria: Ambry Variant Classification Scheme 2023. Collection method: clinical testing. Allele origin: germline.
Comment: The p.V198L variant (also known as c.592G>C), located in coding exon 6 of the RTEL1 gene, results from a G to C substitution at nucleotide position 592. The valine at codon 198 is replaced by leucine, an amino acid with highly similar properties. This amino acid position is conserved. In addition, the in silico prediction for this alteration is inconclusive. Based on the available evidence, the clinical significance of this variant remains unclear.

NM_001283009.2(RTEL1):c.592G>C (p.Val198Leu)

Genes: RTEL1 (regulator of telomere elongation helicase 1; plus strand), RTEL1-TNFRSF6B (RTEL1-TNFRSF6B readthrough (NMD candidate); plus strand). Cytogenetic location: 20q13.33.
Variant type: single nucleotide variant.
Coding change: c.592G>C on transcript NM_001283009.2 (MANE Select); coding-DNA position 592, G replaced by C.
Protein change: p.Val198Leu; replaces valine 198 with leucine.
Molecular consequence: missense variant. On other transcripts: non-coding transcript variant (1), 5 prime UTR variant (1).
Genome position (GRCh38, 1-based): chr20:63,666,057, G>C. VCF-style: chr20-63666057-G-C. GRCh37 (hg19) VCF-style: chr20-62297410-G-C.
Other names: c.-78G>C (NM_001283010.1); c.592G>C, p.Val198Leu (NM_016434.4); c.664G>C, p.Val222Leu (NM_032957.5); short protein forms V222L, V198L.
Identifiers: ClinVar variation 3791140 (VCV003791140.1).
Genomic context (GRCh38, chr20:63,666,057, plus strand): 5'-CCTGCAGAAAAAAGCCTGGAGCAGGAGCTGGCCAGCCCCATCCTGGACATTGAGGACTTG[G>C]TCAAGAGCGGAAGCAAGCACAGGTGAGACCCCTCAGTGAGGCCACGACCACTGTCCTTCC-3'
Protein context (NP_001269938.1, residues 188-208): ASPILDIEDL[Val198Leu]KSGSKHRVCP